The following is an entry in ClinVar:

ClinVar aggregate classification (germline): Uncertain significance (1 of 4 stars; one submission).

Conditions:
Familial hemophagocytic lymphohistiocytosis 2 (FHL2). Also called: PRF1-Related Familial Hemophagocytic Lymphohistiocytosis (PRF1-fHLH). Identifiers: Orphanet 540, MedGen C1863727, MONDO:0011337, OMIM 603553.

Allele frequency attached by ClinVar (database versions not stated): TOPMed below 0.00001.
gnomAD v4.1: 6 of 1,614,096 alleles (0.00037%); highest among the groups gnomAD compares: Non-Finnish European, 0.00042%; no homozygotes.

Submission:

Labcorp Genetics (formerly Invitae), Labcorp
Classification: Uncertain significance for Familial hemophagocytic lymphohistiocytosis 2. Last evaluated: 2022-06-29. Review status: criteria provided, single submitter. Criteria: Invitae Variant Classification Sherloc (09022015). Collection method: clinical testing. Allele origin: germline.
Comment: This sequence change replaces threonine, which is neutral and polar, with lysine, which is basic and polar, at codon 173 of the PRF1 protein (p.Thr173Lys). This variant is not present in population databases (gnomAD no frequency). This variant has not been reported in the literature in individuals affected with PRF1-related conditions. Algorithms developed to predict the effect of missense changes on protein structure and function output the following: SIFT: "Tolerated"; PolyPhen-2: "Benign"; Align-GVGD: "Class C0". The lysine amino acid residue is found in multiple mammalian species, which suggests that this missense change does not adversely affect protein function. Algorithms developed to predict the effect of sequence changes on RNA splicing suggest that this variant may create or strengthen a splice site. In summary, the available evidence is currently insufficient to determine the role of this variant in disease. Therefore, it has been classified as a Variant of Uncertain Significance.

NM_001083116.3(PRF1):c.518C>A (p.Thr173Lys)

Gene: PRF1 (perforin 1; minus strand). Cytogenetic location: 10q22.1.
Variant type: single nucleotide variant.
Coding change: c.518C>A on transcript NM_001083116.3 (MANE Select); coding-DNA position 518, C replaced by A.
Protein change: p.Thr173Lys; replaces threonine 173 with lysine.
Molecular consequence: missense variant.
Genome position (GRCh38, 1-based): chr10:70,600,385, G>T on the plus strand (C>A on the coding strand, the complement: PRF1 is on the minus strand). VCF-style: chr10-70600385-G-T. GRCh37 (hg19) VCF-style: chr10-72360141-G-T.
Other names: c.518C>A, p.Thr173Lys (NM_005041.6); short protein forms T173K.
Identifiers: ClinVar variation 2184223 (VCV002184223.1), dbSNP rs754180700, ClinGen allele CA376959244.